The following is an entry in ClinVar:

NM_004304.5(ALK):c.4294C>G (p.Arg1432Gly)

Gene: ALK (ALK receptor tyrosine kinase; minus strand). Cytogenetic location: 2p23.2.
Variant type: single nucleotide variant.
Coding change: c.4294C>G on transcript NM_004304.5 (MANE Select); coding-DNA position 4294, C replaced by G.
Protein change: p.Arg1432Gly; replaces arginine 1432 with glycine.
Molecular consequence: missense variant.
Genome position (GRCh38, 1-based): chr2:29,193,793, G>C on the plus strand (C>G on the coding strand, the complement: ALK is on the minus strand). VCF-style: chr2-29193793-G-C. GRCh37 (hg19) VCF-style: chr2-29416659-G-C.
Other names: c.4294C>G (NM_004304.4); c.1090C>G, p.Arg364Gly (NM_001353765.2); short protein forms R1432G, R364G.
Identifiers: ClinVar variation 1008561 (VCV001008561.11), dbSNP rs1668950917, ClinGen allele CA346462759.

ClinVar aggregate classification (germline): Uncertain significance. Review status: criteria provided, multiple submitters, no conflicts (2 of 4 stars). 2 submissions from 2 submitters: Uncertain significance (2). Last evaluated 2025-11-29.

Conditions:
Hereditary cancer-predisposing syndrome. Also called: Hereditary neoplastic syndrome; Neoplastic Syndromes, Hereditary; Tumor predisposition; Hereditary Cancer Syndrome. Identifiers: Orphanet 140162, MedGen C0027672, MeSH D009386, MONDO:0015356.
Neuroblastoma, susceptibility to, 3. Also called: ALK-Related Neuroblastic Tumor Susceptibility. Identifiers: Orphanet 635, MedGen C2751681, MONDO:0013083, OMIM 613014.

Submissions (2):

Ambry Genetics
Classification: Uncertain significance for Hereditary cancer-predisposing syndrome. Last evaluated: 2025-11-29. Review status: criteria provided, single submitter. Criteria: Ambry Variant Classification Scheme 2023. Collection method: clinical testing. Allele origin: germline.
Comment: The p.R1432G variant (also known as c.4294C>G), located in coding exon 29 of the ALK gene, results from a C to G substitution at nucleotide position 4294. The arginine at codon 1432 is replaced by glycine, an amino acid with dissimilar properties. This amino acid position is conserved. In addition, this alteration is predicted to be tolerated by in silico analysis. Since supporting evidence is limited at this time, the clinical significance of this alteration remains unclear.

Labcorp Genetics (formerly Invitae), Labcorp
Classification: Uncertain significance for Neuroblastoma, susceptibility to, 3. Last evaluated: 2020-07-01. Review status: criteria provided, single submitter. Criteria: Invitae Variant Classification Sherloc (09022015). Collection method: clinical testing. Allele origin: germline.
Comment: This sequence change replaces arginine with glycine at codon 1432 of the ALK protein (p.Arg1432Gly). The arginine residue is weakly conserved and there is a moderate physicochemical difference between arginine and glycine. This variant is not present in population databases (ExAC no frequency). In summary, the available evidence is currently insufficient to determine the role of this variant in disease. Therefore, it has been classified as a Variant of Uncertain Significance. Algorithms developed to predict the effect of missense changes on protein structure and function output the following: SIFT: "Deleterious"; PolyPhen-2: "Benign"; Align-GVGD: "Class C0". The glycine amino acid residue is found in multiple mammalian species, suggesting that this missense change does not adversely affect protein function. These predictions have not been confirmed by published functional studies and their clinical significance is uncertain. This variant has not been reported in the literature in individuals with ALK-related conditions.